The following is an entry in ClinVar:

NM_000256.3(MYBPC3):c.87C>T (p.Phe29=)

Gene: MYBPC3 (myosin binding protein C3; minus strand). Cytogenetic location: 11p11.2.
Variant type: single nucleotide variant.
Coding change: c.87C>T on transcript NM_000256.3 (MANE Select); coding-DNA position 87, C replaced by T.
Protein change: p.Phe29=; no amino-acid change (phenylalanine 29 retained).
Molecular consequence: synonymous variant.
Genome position (GRCh38, 1-based): chr11:47,351,444, G>A on the plus strand (C>T on the coding strand, the complement: MYBPC3 is on the minus strand). VCF-style: chr11-47351444-G-A. GRCh37 (hg19) VCF-style: chr11-47372995-G-A.
Other names: c.87C>T, p.Phe29= (LRG_386t1).
Identifiers: ClinVar variation 629819 (VCV000629819.21), dbSNP rs764557472, ClinGen allele CA057208.

ClinVar aggregate classification (germline): Likely benign. Review status: criteria provided, multiple submitters, no conflicts (2 of 4 stars). 7 submissions from 7 submitters: Likely benign (7). Last evaluated 2026-01-01.

Conditions:
Hypertrophic cardiomyopathy. Also called: HYPERTROPHIC MYOCARDIOPATHY. Identifiers: Orphanet 217569, MedGen C0007194, MeSH D002312, MONDO:0005045, HP:0001639.
Cardiovascular phenotype. Identifiers: MedGen CN230736.
Cardiomyopathy (CMYO). Also called: Cardiomyopathies. Identifiers: Orphanet 167848, MedGen C0878544, MONDO:0004994, HP:0001638. Inheritance: Various modes of inheritance.

Allele frequency attached by ClinVar (database versions not stated): gnomAD exomes below 0.00001 and 0.00001; ExAC 0.00001; gnomAD 0.00001.
gnomAD v4.1: 7 of 1,608,200 alleles (0.00044%); highest among the groups gnomAD compares: Middle Eastern, 0.016%; no homozygotes.

Submissions (7):

CeGaT Center for Human Genetics Tuebingen
Classification: Likely benign. Last evaluated: 2026-01-01. Review status: criteria provided, single submitter. Criteria: CeGaT Center For Human Genetics Tuebingen Variant Classification Criteria Version 2. Collection method: clinical testing. Allele origin: germline. Affected: yes. Observed: 1 variant allele.
Comment: MYBPC3: BP4, BP7

Labcorp Genetics (formerly Invitae), Labcorp
Classification: Likely benign for Hypertrophic cardiomyopathy. Last evaluated: 2025-07-25. Review status: criteria provided, single submitter. Criteria: Invitae Variant Classification Sherloc (09022015). Collection method: clinical testing. Allele origin: germline.

Blueprint Genetics
Classification: Likely benign. Last evaluated: 2024-09-13. Review status: criteria provided, single submitter. Criteria: ACMG Guidelines, 2015. Collection method: clinical testing. Allele origin: germline.

All of Us Research Program, National Institutes of Health
Classification: Likely benign for Hypertrophic cardiomyopathy. Last evaluated: 2023-08-15. Review status: criteria provided, single submitter. Criteria: ACMG Guidelines, 2015. Collection method: clinical testing. Allele origin: germline. Inheritance: Autosomal dominant inheritance. Observed: 4 variant alleles, 4 heterozygotes.
Comment: This study involves interpretation of variants in research participants for the purpose of population health screening. Participant phenotype was not available at the time of variant classification. Additional details can be found in publication PMID: 35346344, PMCID: PMC8962531

Ambry Genetics
Classification: Likely benign for Cardiovascular phenotype. Last evaluated: 2022-07-25. Review status: criteria provided, single submitter. Criteria: Ambry Variant Classification Scheme 2023. Collection method: clinical testing. Allele origin: germline.

GeneDx
Classification: Likely benign. Last evaluated: 2020-08-11. Review status: criteria provided, single submitter. Criteria: GeneDx Variant Classification Process June 2021. Collection method: clinical testing. Allele origin: germline. Affected: yes.

Color Diagnostics, LLC DBA Color Health
Classification: Likely benign for Cardiomyopathy. Last evaluated: 2018-10-22. Review status: criteria provided, single submitter. Criteria: ACMG Guidelines, 2015. Collection method: clinical testing. Allele origin: germline.